The following is an entry in ClinVar:

NM_000350.3(ABCA4):c.3097A>G (p.Lys1033Glu)

Gene: ABCA4 (ATP binding cassette subfamily A member 4; minus strand). Cytogenetic location: 1p22.1.
Variant type: single nucleotide variant.
Coding change: c.3097A>G on transcript NM_000350.3 (MANE Select); coding-DNA position 3097, A replaced by G.
Protein change: p.Lys1033Glu; replaces lysine 1033 with glutamic acid.
Molecular consequence: missense variant.
Genome position (GRCh38, 1-based): chr1:94,043,429, T>C on the plus strand (A>G on the coding strand, the complement: ABCA4 is on the minus strand). VCF-style: chr1-94043429-T-C. GRCh37 (hg19) VCF-style: chr1-94508985-T-C.
Other names: c.2875A>G, p.Lys959Glu (NM_001425324.1); short protein forms K1033E, K959E.
Identifiers: ClinVar variation 874845 (VCV000874845.6), dbSNP rs771234031, ClinGen allele CA26866357.

ClinVar aggregate classification (germline): Uncertain significance. Review status: criteria provided, multiple submitters, no conflicts (2 of 4 stars). 2 submissions from 2 submitters: Uncertain significance (2). Last evaluated 2022-10-17.

Conditions:
ABCA4-related disorder. Also called: ABCA4-related disorders; ABCA4-related condition. Identifiers: MedGen CN239167.

Allele frequency attached by ClinVar (database versions not stated): gnomAD 0.00001; TOPMed 0.00001; gnomAD exomes 0.00002 and 0.00001.
gnomAD v4.1: 31 of 1,614,044 alleles (0.0019%); highest among the groups gnomAD compares: Non-Finnish European, 0.0026%; no homozygotes.

Submissions (2):

Labcorp Genetics (formerly Invitae), Labcorp
Classification: Uncertain significance. Last evaluated: 2022-10-17. Review status: criteria provided, single submitter. Criteria: Invitae Variant Classification Sherloc (09022015). Collection method: clinical testing. Allele origin: germline.
Comment: This sequence change replaces lysine, which is basic and polar, with glutamic acid, which is acidic and polar, at codon 1033 of the ABCA4 protein (p.Lys1033Glu). This variant is present in population databases (rs771234031, gnomAD 0.003%). This variant has not been reported in the literature in individuals affected with ABCA4-related conditions. ClinVar contains an entry for this variant (Variation ID: 874845). Advanced modeling of protein sequence and biophysical properties (such as structural, functional, and spatial information, amino acid conservation, physicochemical variation, residue mobility, and thermodynamic stability) performed at Invitae indicates that this missense variant is expected to disrupt ABCA4 protein function. In summary, the available evidence is currently insufficient to determine the role of this variant in disease. Therefore, it has been classified as a Variant of Uncertain Significance.

Illumina Laboratory Services, Illumina
Classification: Uncertain significance for ABCA4-Related Disorders. Last evaluated: 2018-01-12. Review status: criteria provided, single submitter. Criteria: ICSL Variant Classification Criteria 13 December 2019. Collection method: clinical testing. Allele origin: germline.